The following is an entry in ClinVar:

GRCh37/hg19 17q23.2(chr17:59960921-60036130)x1

Genes: INTS2 (integrator complex subunit 2; minus strand), MED13 (mediator complex subunit 13; minus strand). Cytogenetic location: 17q23.2.
Variant type: copy number loss.
Change: copy number 1 (one copy instead of two) of chr17:59,960,921-60,036,130 (75.2 kb, GRCh37 coordinates, 1-based), cytogenetic band 17q23.2.
Identifiers: ClinVar variation 2685605 (VCV002685605.1).

ClinVar aggregate classification (germline): Pathogenic (1 of 4 stars; one submission).

Submission:

Quest Diagnostics Nichols Institute San Juan Capistrano
Classification: Pathogenic. Last evaluated: 2023-01-24. Review status: criteria provided, single submitter. Criteria: ACMG/ClinGen CNV Guidelines, 2019. Collection method: clinical testing. Allele origin: unknown.
Comment: This loss involves two protein-coding genes. Heterozygous sequence variants of MED13 are associated with autosomal dominant intellectual developmental disorder-61 (MRD61; OMIM 618009, Snijders Blok 2018, Trivisano 2022, Kahrizi 2019, Bowling 2017, Iossifov 2014, Boutry-Kryza 2012). Furthermore, there are no similar copy number losses of this region in the general populations of the Database of Genomic Variants. Thus, based on current medical literature, this copy number variant (CNV) is classified as pathogenic. References: Boutry-Kryza et al., Am J Med Genet A. 2012 Feb;158A(2):400-5. PMID: 22162340 Bowling et al., Genome Med. 2017 May 30;9(1):43. PMID: 28554332 Iossifov et al., Nature. 2014 Nov 13;515(7526):216-21. PMID: 25363768 Kahrizi et al., Clin Genet. 2019 Jan;95(1):151-159. PMID: 30315573 Snijders Blok et al., Hum Genet. 2018 May;137(5):375-388. PMID: 29740699 Trivisano et al., Seizure. 2022 Oct;101:211-217. PMID: 36087421